The following is an entry in ClinVar:

NM_020376.4(PNPLA2):c.1468A>G (p.Thr490Ala)

Gene: PNPLA2 (patatin like domain 2, triacylglycerol lipase; plus strand). Cytogenetic location: 11p15.5.
Variant type: single nucleotide variant.
Coding change: c.1468A>G on transcript NM_020376.4 (MANE Select); coding-DNA position 1468, A replaced by G.
Protein change: p.Thr490Ala; replaces threonine 490 with alanine.
Molecular consequence: missense variant.
Genome position (GRCh38, 1-based): chr11:824,815, A>G. VCF-style: chr11-824815-A-G. GRCh37 (hg19) VCF-style: chr11-824815-A-G.
Other names: short protein forms T490A.
Identifiers: ClinVar variation 2082332 (VCV002082332.2), dbSNP rs1845832380, ClinGen allele CA378985763.

ClinVar aggregate classification (germline): Uncertain significance (1 of 4 stars; one submission).

Conditions:
Neutral lipid storage myopathy (NLSDM). Also called: NEUTRAL LIPID STORAGE DISEASE WITHOUT ICHTHYOSIS. Identifiers: Orphanet 98908, MedGen C1853136, MONDO:0012545, OMIM 610717.

Submission:

Labcorp Genetics (formerly Invitae), Labcorp
Classification: Uncertain significance for Neutral lipid storage myopathy. Last evaluated: 2022-10-13. Review status: criteria provided, single submitter. Criteria: Invitae Variant Classification Sherloc (09022015). Collection method: clinical testing. Allele origin: germline.
Comment: In summary, the available evidence is currently insufficient to determine the role of this variant in disease. Therefore, it has been classified as a Variant of Uncertain Significance. Algorithms developed to predict the effect of missense changes on protein structure and function output the following: SIFT: "Tolerated"; PolyPhen-2: "Benign"; Align-GVGD: "Class C0". The alanine amino acid residue is found in multiple mammalian species, which suggests that this missense change does not adversely affect protein function. This variant has not been reported in the literature in individuals affected with PNPLA2-related conditions. This variant is not present in population databases (gnomAD no frequency). This sequence change replaces threonine, which is neutral and polar, with alanine, which is neutral and non-polar, at codon 490 of the PNPLA2 protein (p.Thr490Ala).